The following is an entry in ClinVar:

NM_002087.4(GRN):c.1019A>T (p.His340Leu)

Gene: GRN (granulin precursor; plus strand). Cytogenetic location: 17q21.31.
Variant type: single nucleotide variant.
Coding change: c.1019A>T on transcript NM_002087.4 (MANE Select); coding-DNA position 1019, A replaced by T.
Protein change: p.His340Leu; replaces histidine 340 with leucine.
Molecular consequence: missense variant.
Genome position (GRCh38, 1-based): chr17:44,351,635, A>T. VCF-style: chr17-44351635-A-T. GRCh37 (hg19) VCF-style: chr17-42429003-A-T.
Other names: short protein forms H340L.
Identifiers: ClinVar variation 892180 (VCV000892180.11), dbSNP rs775196555, ClinGen allele CA8602086.
Genomic context (GRCh38, chr17:44,351,635, plus strand): 5'-ACTGCTGTCCCGCGGGGTTTACGTGTGACACGCAGAAGGGTACCTGTGAACAGGGGCCCC[A>T]CCAGGTGCCCTGGATGGAGAAGGCCCCAGCTCACCTCAGCCTGCCAGACCCACAAGCCTT-3'
Protein context (NP_002078.1, residues 330-350): TQKGTCEQGP[His340Leu]QVPWMEKAPA

ClinVar aggregate classification (germline): Conflicting classifications of pathogenicity. Review status: criteria provided, conflicting classifications (1 of 4 stars). 3 submissions from 3 submitters: Uncertain significance (2); Likely benign (1). Last evaluated 2023-12-26.

Conditions:
Inborn genetic diseases. Identifiers: MedGen C0950123, MeSH D030342.
Neuronal ceroid lipofuscinosis 11. Also called: GRN-Related Neuronal Ceroid-Lipofuscinosis. Identifiers: Orphanet 314629, Orphanet 79262, MedGen C3539123, MONDO:0013866, OMIM 614706.
GRN-related frontotemporal lobar degeneration with Tdp43 inclusions (FTD2). Also called: DEMENTIA, HEREDITARY DYSPHASIC DISINHIBITION; FRONTOTEMPORAL LOBAR DEGENERATION WITH UBIQUITIN-POSITIVE INCLUSIONS; FTLD-TDP, GRN-RELATED; GRN Frontotemporal Dementia; FRONTOTEMPORAL DEMENTIA WITH TDP43 INCLUSIONS, GRN-RELATED. Identifiers: Orphanet 100070, Orphanet 282, MedGen C1843792, MONDO:0011842, OMIM 607485. Disease mechanism: loss of function.

Allele frequency attached by ClinVar (database versions not stated): TOPMed below 0.00001; gnomAD 0.00001 and 0.00003; gnomAD exomes 0.00010; ExAC 0.00012.
gnomAD v4.1: 73 of 1,614,006 alleles (0.0045%); highest among the groups gnomAD compares: South Asian, 0.059%; no homozygotes.

Submissions (3):

Labcorp Genetics (formerly Invitae), Labcorp
Classification: Uncertain significance for Neuronal ceroid lipofuscinosis 11; GRN-related frontotemporal lobar degeneration with Tdp43 inclusions. Last evaluated: 2023-12-26. Review status: criteria provided, single submitter. Criteria: Invitae Variant Classification Sherloc (09022015). Collection method: clinical testing. Allele origin: germline.
Comment: This sequence change replaces histidine, which is basic and polar, with leucine, which is neutral and non-polar, at codon 340 of the GRN protein (p.His340Leu). This variant is present in population databases (rs775196555, gnomAD 0.07%). This variant has not been reported in the literature in individuals affected with GRN-related conditions. ClinVar contains an entry for this variant (Variation ID: 892180). Advanced modeling of protein sequence and biophysical properties (such as structural, functional, and spatial information, amino acid conservation, physicochemical variation, residue mobility, and thermodynamic stability) performed at Invitae indicates that this missense variant is not expected to disrupt GRN protein function with a negative predictive value of 80%. In summary, the available evidence is currently insufficient to determine the role of this variant in disease. Therefore, it has been classified as a Variant of Uncertain Significance.

Ambry Genetics
Classification: Uncertain significance for Inborn genetic diseases. Last evaluated: 2018-04-11. Review status: criteria provided, single submitter. Criteria: Ambry Variant Classification Scheme 2023. Collection method: clinical testing. Allele origin: germline.
Comment: The p.H340L variant (also known as c.1019A>T), located in coding exon 9 of the GRN gene, results from an A to T substitution at nucleotide position 1019. The histidine at codon 340 is replaced by leucine, an amino acid with similar properties. This amino acid position is poorly conserved in available vertebrate species, and leucine is the reference amino acid in other vertebrate species. In addition, this alteration is predicted to be tolerated by in silico analysis. Since supporting evidence is limited at this time, the clinical significance of this alteration remains unclear.

Illumina Laboratory Services, Illumina
Classification: Likely benign for GRN-related frontotemporal lobar degeneration with Tdp43 inclusions. Last evaluated: 2018-01-13. Review status: criteria provided, single submitter. Criteria: ICSL Variant Classification Criteria 13 December 2019. Collection method: clinical testing. Allele origin: germline.
Comment: This variant was observed in the ICSL laboratory as part of a predisposition screen in an ostensibly healthy population. It had not been previously curated by ICSL or reported in the Human Gene Mutation Database (HGMD: prior to June 1st, 2018), and was therefore a candidate for classification through an automated scoring system. Utilizing variant allele frequency, disease prevalence and penetrance estimates, and inheritance mode, an automated score was calculated to assess if this variant is too frequent to cause the disease. Based on the score and internal cut-off values, a variant classified as likely benign is not then subjected to further curation. The score for this variant resulted in a classification of likely benign for this disease.